The following is an entry in ClinVar:

NM_000237.3(LPL):c.250-17del

Gene: LPL (lipoprotein lipase; plus strand). Cytogenetic location: 8p21.3.
Variant type: Deletion.
Coding change: c.250-17del on transcript NM_000237.3 (MANE Select); 17 bases into the intron before coding-DNA position 250, one base deleted (T; older notation c.250-17delT).
Molecular consequence: intron variant.
Genome position (GRCh38, 1-based): chr8:19,951,752, T deleted; the last of 2 consecutive T bases (chr8:19,951,751-19,951,752); deleting either gives the same sequence. VCF-style (leftmost placement, unchanged base first): chr8-19951750-CT-C. GRCh37 (hg19) VCF-style: chr8-19809261-CT-C.
Identifiers: ClinVar variation 2149043 (VCV002149043.1), dbSNP rs775770434, ClinGen allele CA4655361.
Genomic context (GRCh38, chr8:19,951,750, plus strand): 5'-CATGCAGGTGTATTGGGCTGATGTATCTATGACAAGTGGTAGGTGGGTATTTTAAGAAAG[CT>C]TGTGTCATCATCTTCAGGTAACAGGAATGTATGAGAGTTGGGTGCCAAAACTTGTGGCCG-3'

ClinVar aggregate classification (germline): Uncertain significance (1 of 4 stars; one submission).

Submission:

Labcorp Genetics (formerly Invitae), Labcorp
Classification: Uncertain significance. Last evaluated: 2022-02-22. Review status: criteria provided, single submitter. Criteria: Invitae Variant Classification Sherloc (09022015). Collection method: clinical testing. Allele origin: germline.
Comment: This sequence change falls in intron 2 of the LPL gene. It does not directly change the encoded amino acid sequence of the LPL protein. This variant is present in population databases (rs775770434, gnomAD 0.009%). This variant has not been reported in the literature in individuals affected with LPL-related conditions. Algorithms developed to predict the effect of sequence changes on RNA splicing suggest that this variant may create or strengthen a splice site. In summary, the available evidence is currently insufficient to determine the role of this variant in disease. Therefore, it has been classified as a Variant of Uncertain Significance.